The following is an entry in ClinVar:

ClinVar aggregate classification (germline): Uncertain significance (1 of 4 stars; one submission).

gnomAD v4.1: 3 of 1,614,218 alleles (0.00019%); highest among the groups gnomAD compares: Non-Finnish European, 0.00025%; no homozygotes.

Submission:

Women's Health and Genetics/Laboratory Corporation of America, LabCorp
Classification: Uncertain significance. Last evaluated: 2026-01-30. Review status: criteria provided, single submitter. Criteria: LabCorp Variant Classification Summary - May 2015. Collection method: clinical testing. Allele origin: germline.
Comment: Variant summary: ADA2 c.1289T>G (p.Met430Arg) results in a non-conservative amino acid change in the encoded protein sequence. Algorithms developed to predict the effect of missense changes on protein structure and function all suggest that this variant is likely to be disruptive. The variant was absent in 251392 control chromosomes. The available data on variant occurrences in the general population are insufficient to allow any conclusion about variant significance. To our knowledge, no occurrence of c.1289T>G in individuals affected with ADA2-related conditions and no experimental evidence demonstrating its impact on protein function have been reported. No submitters have cited clinical-significance assessments for this variant to ClinVar. Based on the evidence outlined above, the variant was classified as uncertain significance.

NM_001282225.2(ADA2):c.1289T>G (p.Met430Arg)

Gene: ADA2 (adenosine deaminase 2; minus strand). Cytogenetic location: 22q11.1.
Variant type: single nucleotide variant.
Coding change: c.1289T>G on transcript NM_001282225.2 (MANE Select); coding-DNA position 1289, T replaced by G.
Protein change: p.Met430Arg; replaces methionine 430 with arginine.
Molecular consequence: missense variant.
Genome position (GRCh38, 1-based): chr22:17,181,973, A>C on the plus strand (T>G on the coding strand, the complement: ADA2 is on the minus strand). VCF-style: chr22-17181973-A-C. GRCh37 (hg19) VCF-style: chr22-17662863-A-C.
Other names: c.1289T>G, p.Met430Arg (NM_001282226.2); c.1163T>G, p.Met388Arg (NM_001282227.2, NM_001282228.2); c.929T>G, p.Met310Arg (NM_001282229.2); c.566T>G, p.Met189Arg (NM_177405.3); short protein forms M189R, M310R, M388R, M430R.
Identifiers: ClinVar variation 4688939 (VCV004688939.1).